The following is an entry in ClinVar:

ClinVar aggregate classification (germline): Uncertain significance (1 of 4 stars; one submission).

Conditions:
Cardiac arrhythmia. Also called: Cardiac rhythm disease; Arrhythmia. Identifiers: MedGen C0003811, MONDO:0007263, HP:0011675.

Submission:

Color Diagnostics, LLC DBA Color Health
Classification: Uncertain significance for Cardiac arrhythmia. Last evaluated: 2019-12-18. Review status: criteria provided, single submitter. Criteria: ACMG Guidelines, 2015. Collection method: clinical testing. Allele origin: germline.
Comment: This variant deletes two nucleotides from intron 12 splice acceptor site of the KCNH2 gene. Splice site prediction tools and conservation analysis are inconclusive regarding the impact of this variant on RNA splicing. This variant has not been reported in individuals affected with cardiovascular disorders in the literature. This variant has not been identified in the general population by the Genome Aggregation Database (gnomAD). The available evidence is insufficient to determine the role of this variant in disease conclusively. Therefore, this variant is classified as a Variant of Uncertain Significance.

NM_000238.4(KCNH2):c.2966-14CT[2]

Gene: KCNH2 (potassium voltage-gated channel subfamily H member 2; minus strand). Cytogenetic location: 7q36.1.
Variant type: Microsatellite.
Coding change: c.2966-14CT[2] on transcript NM_000238.4 (MANE Select); two copies in a row of the 2-base unit CT starting at c.2966-14; the reference has three copies in a row; one copy, 2 bases deleted.
Molecular consequence: intron variant.
Genome position (GRCh38, 1-based): chr7:150,947,523-150,947,524, AG deleted on the plus strand (CT on the coding strand, the reverse complement: KCNH2 is on the minus strand); deleting any 2 consecutive bases within chr7:150,947,523-150,947,528 gives the same sequence; the position shown is the placement nearest the transcript's 3' end. VCF-style (leftmost placement, unchanged base first): chr7-150947522-CAG-C. GRCh37 (hg19) VCF-style: chr7-150644610-CAG-C.
Other names: c.1946-14CT[2] (NM_172057.3).
Identifiers: ClinVar variation 926793 (VCV000926793.5), dbSNP rs1800949508, ClinGen allele CA1139660333.